The following is an entry in ClinVar:

NM_003320.5(TUB):c.127C>T (p.Pro43Ser)

Gene: TUB (TUB bipartite transcription factor; plus strand). Cytogenetic location: 11p15.4.
Variant type: single nucleotide variant.
Coding change: c.127C>T on transcript NM_003320.5; coding-DNA position 127, C replaced by T.
Protein change: p.Pro43Ser; replaces proline 43 with serine.
Molecular consequence: missense variant. On other transcripts: intron variant (4).
Genome position (GRCh38, 1-based): chr11:8,039,000, C>T. VCF-style: chr11-8039000-C-T. GRCh37 (hg19) VCF-style: chr11-8060547-C-T.
Other names: c.56+19642C>T (NM_001440538.1, NM_001440539.1, NM_001440540.1 and 1 more transcripts); short protein forms P43S.
Identifiers: ClinVar variation 1346166 (VCV001346166.9), dbSNP rs375735347, ClinGen allele CA5870817.

ClinVar aggregate classification (germline): Uncertain significance. Review status: criteria provided, multiple submitters, no conflicts (2 of 4 stars). 4 submissions from 4 submitters: Uncertain significance (4). Last evaluated 2026-09-25.

Conditions:
TUB-related disorder. Also called: TUB-related condition.

Allele frequency attached by ClinVar (database versions not stated): gnomAD exomes 0.00003 and 0.00002; ESP Exome Variant Server 0.00015; ExAC 0.00002; gnomAD 0.00003; TOPMed 0.00004.
gnomAD v4.1: 48 of 1,613,620 alleles (0.003%); highest among the groups gnomAD compares: Middle Eastern, 0.051%; no homozygotes.

Submissions (4):

PreventionGenetics, part of Exact Sciences
Classification: Uncertain significance for TUB-related condition. Last evaluated: 2026-09-25. Review status: criteria provided, single submitter. Criteria: ACMG Guidelines, 2015. Collection method: clinical testing. Allele origin: germline.
Comment: The TUB c.127C>T variant is predicted to result in the amino acid substitution p.Pro43Ser. To our knowledge, this variant has not been reported in the literature. This variant is reported in 0.0062% of alleles in individuals of African descent in gnomAD. At this time, the clinical significance of this variant is uncertain due to the absence of conclusive functional and genetic evidence.

Blueprint Genetics
Classification: Uncertain significance. Last evaluated: 2024-11-14. Review status: criteria provided, single submitter. Criteria: ACMG Guidelines, 2015. Collection method: clinical testing. Allele origin: germline.

Labcorp Genetics (formerly Invitae), Labcorp
Classification: Uncertain significance. Last evaluated: 2022-10-13. Review status: criteria provided, single submitter. Criteria: Invitae Variant Classification Sherloc (09022015). Collection method: clinical testing. Allele origin: germline.
Comment: This sequence change replaces proline, which is neutral and non-polar, with serine, which is neutral and polar, at codon 43 of the TUB protein (p.Pro43Ser). This variant is present in population databases (rs375735347, gnomAD 0.007%). This variant has not been reported in the literature in individuals affected with TUB-related conditions. ClinVar contains an entry for this variant (Variation ID: 1346166). Algorithms developed to predict the effect of missense changes on protein structure and function (SIFT, PolyPhen-2, Align-GVGD) all suggest that this variant is likely to be tolerated. In summary, the available evidence is currently insufficient to determine the role of this variant in disease. Therefore, it has been classified as a Variant of Uncertain Significance.

Breakthrough Genomics
Classification: Uncertain significance. Review status: criteria provided, single submitter. Criteria: ACMG Guidelines, 2015. Collection method: not provided. Allele origin: germline. Inheritance: Autosomal recessive inheritance. Affected: yes.